The following is an entry in ClinVar:

ClinVar aggregate classification (germline): Benign/Likely benign. Review status: criteria provided, multiple submitters, no conflicts (2 of 4 stars). 2 submissions from 2 submitters: Benign (1); Likely benign (1). Last evaluated 2023-01-01.

Conditions:
Fibrous dysplasia of jaw (CRBM). Also called: Cherubism. Identifiers: Orphanet 184, MedGen C0008029, MONDO:0007315, OMIM 118400.

Allele frequency attached by ClinVar (database versions not stated): gnomAD 0.00296 and 0.00329; 1000 Genomes Project 0.00300; 1000 Genomes Project 30x 0.00312; TOPMed 0.00326.

Submissions (2):

CeGaT Center for Human Genetics Tuebingen
Classification: Likely benign. Last evaluated: 2023-01-01. Review status: criteria provided, single submitter. Criteria: CeGaT Center For Human Genetics Tuebingen Variant Classification Criteria Version 2. Collection method: clinical testing. Allele origin: germline. Affected: yes. Observed: 1 variant allele.
Comment: SH3BP2: BS2

Illumina Laboratory Services, Illumina
Classification: Benign for Fibrous dysplasia of jaw. Last evaluated: 2018-01-13. Review status: criteria provided, single submitter. Criteria: ICSL Variant Classification Criteria 13 December 2019. Collection method: clinical testing. Allele origin: germline.
Comment: This variant was observed in the ICSL laboratory as part of a predisposition screen in an ostensibly healthy population. It had not been previously curated by ICSL or reported in the Human Gene Mutation Database (HGMD: prior to June 1st, 2018), and was therefore a candidate for classification through an automated scoring system. Utilizing variant allele frequency, disease prevalence and penetrance estimates, and inheritance mode, an automated score was calculated to assess if this variant is too frequent to cause the disease. Based on the score and internal cut-off values, a variant classified as benign is not then subjected to further curation. The score for this variant resulted in a classification of benign for this disease.

NM_001122681.2(SH3BP2):c.*2359A>G

Gene: SH3BP2 (SH3 domain binding protein 2; plus strand). Cytogenetic location: 4p16.3.
Variant type: single nucleotide variant.
Coding change: c.*2359A>G on transcript NM_001122681.2 (MANE Select); 2359 bases downstream of the stop codon, A replaced by G.
Molecular consequence: 3 prime UTR variant.
Genome position (GRCh38, 1-based): chr4:2,836,193, A>G. VCF-style: chr4-2836193-A-G. GRCh37 (hg19) VCF-style: chr4-2837920-A-G.
Other names: c.*2359A>G (NM_001145855.2, NM_001145856.2, NM_003023.4 and 2 more transcripts).
Identifiers: ClinVar variation 348632 (VCV000348632.29), dbSNP rs142370591, ClinGen allele CA10618627.
Genomic context (GRCh38, chr4:2,836,193, plus strand): 5'-GCCTGTGGTTACCCGAAGCCCAGCTGGGGCCCTGGTCCAGCCTCGCCTCCCAGACTCTGC[A>G]CCTGCTAGCACAGCTGTCCACGTCTGTGTGAGCTGCTCTAGGCCGAGGGCCTCAGTTTCA-3'